The following is an entry in ClinVar:

NM_000383.4(AIRE):c.1365G>A (p.Trp455Ter)

Gene: AIRE (autoimmune regulator; plus strand). Cytogenetic location: 21q22.3.
Variant type: single nucleotide variant.
Coding change: c.1365G>A on transcript NM_000383.4 (MANE Select); coding-DNA position 1365, G replaced by A.
Protein change: p.Trp455Ter; replaces tryptophan 455 with a stop codon.
Molecular consequence: nonsense.
Genome position (GRCh38, 1-based): chr21:44,293,875, G>A. VCF-style: chr21-44293875-G-A. GRCh37 (hg19) VCF-style: chr21-45713758-G-A.
Other names: c.1365G>A (LRG_18t1); short protein forms W455*.
Identifiers: ClinVar variation 446815 (VCV000446815.2), dbSNP rs1555873118, ClinGen allele CA410425771.

ClinVar aggregate classification (germline): Pathogenic. Review status: criteria provided, multiple submitters, no conflicts (2 of 4 stars). 2 submissions from 2 submitters: Pathogenic (2). Last evaluated 2024-05-08.

Conditions:
Polyglandular autoimmune syndrome, type 1 (APS1). Also called: APS I; HYPOADRENOCORTICISM WITH HYPOPARATHYROIDISM AND SUPERFICIAL MONILIASIS; PGA I; Whitaker syndrome; AUTOIMMUNE POLYENDOCRINE SYNDROME, TYPE I, WITH OR WITHOUT REVERSIBLE METAPHYSEAL DYSPLASIA; Autoimmune polyendocrinopathy syndrome, type I. Identifiers: Orphanet 3453, MedGen C0085859, MONDO:0009411, OMIM 240300.

Allele frequency attached by ClinVar (database versions not stated): gnomAD exomes below 0.00001.
gnomAD v4.1: 1 of 1,596,512 alleles (0.000063%); highest among the groups gnomAD compares: Non-Finnish European, 0.000085%; no homozygotes.

Submissions (2):

Myriad Genetics, Inc.
Classification: Pathogenic for Polyglandular autoimmune syndrome, type 1. Last evaluated: 2024-05-08. Review status: criteria provided, single submitter. Criteria: Myriad Autosomal Dominant, Autosomal Recessive and X-Linked Classification Criteria (2023). Collection method: clinical testing. Allele origin: unknown.
Comment: NM_000383.3(AIRE):c.1365G>A(W455*) is expected to be pathogenic in the context of autoimmune polyglandular syndrome type 1. This variant is predicted to lead to an abnormal or absent protein product due to the creation of a premature termination codon in AIRE, a gene where loss-of-function variants are known to be pathogenic. Please note: this variant was assessed in the context of healthy population screening.

Athena Diagnostics
Classification: Pathogenic. Last evaluated: 2016-10-25. Review status: criteria provided, single submitter. Criteria: Athena Diagnostics Criteria. Collection method: clinical testing. Allele origin: germline.